The following is an entry in ClinVar:

NM_007347.5(AP4E1):c.3387G>A (p.Gln1129=)

Gene: AP4E1 (adaptor related protein complex 4 subunit epsilon 1; plus strand). Cytogenetic location: 15q21.2.
Variant type: single nucleotide variant.
Coding change: c.3387G>A on transcript NM_007347.5 (MANE Select); coding-DNA position 3387, G replaced by A.
Protein change: p.Gln1129=; no amino-acid change (glutamine 1129 retained).
Molecular consequence: synonymous variant.
Genome position (GRCh38, 1-based): chr15:51,002,635, G>A. VCF-style: chr15-51002635-G-A. GRCh37 (hg19) VCF-style: chr15-51294832-G-A.
Other names: p.Gln1129=; c.3162G>A, p.Gln1054= (NM_001252127.2).
Identifiers: ClinVar variation 128400 (VCV000128400.21), dbSNP rs3825798, ClinGen allele CA151845.

ClinVar aggregate classification (germline): Benign. Review status: criteria provided, multiple submitters, no conflicts (2 of 4 stars). 9 submissions from 9 submitters: Benign (7). 2 of the submissions do not count toward it. Last evaluated 2026-02-03.

Conditions:
Hereditary spastic paraplegia 51. Also called: CEREBRAL PALSY, SPASTIC QUADRIPLEGIC, 4; Spastic paraplegia 51, autosomal recessive. Identifiers: Orphanet 280763, MedGen C3151056, MONDO:0013401, OMIM 613744.
Spastic paraplegia. Identifiers: MedGen C0037772, HP:0001258.

Allele frequency attached by ClinVar (database versions not stated): ESP Exome Variant Server 0.18963; TOPMed 0.19701; 1000 Genomes Project 30x 0.19831; gnomAD 0.19899 and 0.20043; 1000 Genomes Project 0.20407; ExAC 0.22059; gnomAD exomes 0.22192 and 0.23400.
gnomAD v4.1: 372,196 of 1,613,746 alleles (23%); highest among the groups gnomAD compares: East Asian, 40%; 45,468 homozygotes.

Submissions (9):

Labcorp Genetics (formerly Invitae), Labcorp
Classification: Benign for Spastic paraplegia. Last evaluated: 2026-02-03. Review status: criteria provided, single submitter. Criteria: Invitae Variant Classification Sherloc (09022015). Collection method: clinical testing. Allele origin: germline.

Blueprint Genetics
Classification: Benign. Last evaluated: 2024-11-27. Review status: criteria provided, single submitter. Criteria: ACMG Guidelines, 2015. Collection method: clinical testing. Allele origin: germline.

Genome-Nilou Lab
Classification: Benign for Hereditary spastic paraplegia 51. Last evaluated: 2021-05-18. Review status: criteria provided, single submitter. Criteria: ACMG Guidelines, 2015. Collection method: clinical testing. Allele origin: germline. Affected: no.

Mayo Clinic Laboratories, Mayo Clinic
Classification: Benign. Last evaluated: 2017-08-21. Review status: criteria provided, single submitter. Criteria: ACMG Guidelines, 2015. Collection method: clinical testing. Allele origin: germline. Observed: 346 variant alleles.

Clinical Genetics DNA and cytogenetics Diagnostics Lab, Erasmus MC, Erasmus Medical Center
Classification: Benign for Hereditary spastic paraplegia 51. Last evaluated: 2017-06-28. Review status: criteria provided, single submitter. Criteria: ACGS Guidelines, 2013. Collection method: clinical testing. Allele origin: germline. Affected: yes. Study: VKGL Data-share Consensus.

GeneDx
Classification: Benign. Last evaluated: 2016-03-02. Review status: criteria provided, single submitter. Criteria: GeneDx Variant Classification (06012015). Collection method: clinical testing. Allele origin: germline. Affected: yes.
Comment: This variant is considered likely benign or benign based on one or more of the following criteria: it is a conservative change, it occurs at a poorly conserved position in the protein, it is predicted to be benign by multiple in silico algorithms, and/or has population frequency not consistent with disease.

Breakthrough Genomics
Classification: Benign. Review status: criteria provided, single submitter. Criteria: ACMG Guidelines, 2015. Collection method: not provided. Allele origin: germline. Inheritance: Autosomal recessive inheritance. Affected: yes.

Diagnostic Laboratory, Department of Genetics, University Medical Center Groningen
Classification: Benign for Hereditary spastic paraplegia 51. Review status: no assertion criteria provided. Collection method: clinical testing. Allele origin: germline. Affected: yes. Study: VKGL Data-share Consensus. Not counted in ClinVar's aggregate classification.

Genetic Services Laboratory, University of Chicago
Classification: Likely benign for AllHighlyPenetrant. Review status: no assertion criteria provided. Collection method: clinical testing. Allele origin: germline. Inheritance: Autosomal recessive inheritance. Not counted in ClinVar's aggregate classification.
Comment: Likely benign based on allele frequency in 1000 Genomes Project or ESP global frequency and its presence in a patient with a rare or unrelated disease phenotype. NOT Sanger confirmed.